The following is an entry in ClinVar:

ClinVar aggregate classification (germline): Uncertain significance (1 of 4 stars; one submission).

Conditions:
Inborn genetic diseases. Identifiers: MedGen C0950123, MeSH D030342.

Submission:

Ambry Genetics
Classification: Uncertain significance for Inborn genetic diseases. Last evaluated: 2022-09-04. Review status: criteria provided, single submitter. Criteria: Ambry Variant Classification Scheme 2023. Collection method: clinical testing. Allele origin: germline.
Comment: The p.K242T variant (also known as c.725A>C), located in coding exon 6 of the EPAS1 gene, results from an A to C substitution at nucleotide position 725. The lysine at codon 242 is replaced by threonine, an amino acid with similar properties. This amino acid position is conserved. In addition, this alteration is predicted to be tolerated by in silico analysis. Since supporting evidence is limited at this time, the clinical significance of this alteration remains unclear.

NM_001430.5(EPAS1):c.725A>C (p.Lys242Thr)

Genes: EPAS1 (endothelial PAS domain protein 1; plus strand), LOC126806210 (BRD4-independent group 4 enhancer GRCh37_chr2:46587586-46588785; plus strand). Cytogenetic location: 2p21.
Variant type: single nucleotide variant.
Coding change: c.725A>C on transcript NM_001430.5 (MANE Select); coding-DNA position 725, A replaced by C.
Protein change: p.Lys242Thr; replaces lysine 242 with threonine.
Molecular consequence: missense variant.
Genome position (GRCh38, 1-based): chr2:46,361,036, A>C. VCF-style: chr2-46361036-A-C. GRCh37 (hg19) VCF-style: chr2-46588175-A-C.
Other names: short protein forms K242T.
Identifiers: ClinVar variation 1757942 (VCV001757942.2), dbSNP rs745374301, ClinGen allele CA346700280.